The following is an entry in ClinVar:

NM_004815.4(ARHGAP29):c.2481-1G>A

Gene: ARHGAP29 (Rho GTPase activating protein 29; minus strand). Cytogenetic location: 1p22.1.
Variant type: single nucleotide variant.
Coding change: c.2481-1G>A on transcript NM_004815.4 (MANE Select); the canonical splice acceptor site of the intron before coding-DNA position 2481, G replaced by A.
Molecular consequence: splice acceptor variant.
Genome position (GRCh38, 1-based): chr1:94,178,168, C>T on the plus strand (G>A on the coding strand, the complement: ARHGAP29 is on the minus strand). VCF-style: chr1-94178168-C-T. GRCh37 (hg19) VCF-style: chr1-94643724-C-T.
Other names: c.2289-1G>A (NM_001328665.2, NM_001328667.2); c.2481-1G>A (NM_001328664.2); c.2454-1G>A (NM_001328666.2).
Identifiers: ClinVar variation 2636567 (VCV002636567.2), dbSNP rs2524205825, ClinGen allele CA341287723.
Genomic context (GRCh38, chr1:94,178,168, plus strand): 5'-CCAAATATCACCCCCAAGTTTTTGGAGTTCATCTTGTTTTCTTCTGCATGATCTACTACC[C>T]TGCAAAGTAGAACACATAAAGTTGTATGAGATTTTCCTATTAGAGTTCCTTGACTGTAGT-3'

ClinVar aggregate classification (germline): Conflicting classifications of pathogenicity. Review status: criteria provided, conflicting classifications (1 of 4 stars). 2 submissions from 2 submitters: Likely pathogenic (1); Uncertain significance (1). Last evaluated 2022-08-30.

Conditions:
ARHGAP29-related disorder. Also called: ARHGAP29-related condition; ARHGAP29-Related Disorders.

Submissions (2):

PreventionGenetics, part of Exact Sciences
Classification: Likely pathogenic for ARHGAP29-related condition. Last evaluated: 2022-08-30. Review status: criteria provided, single submitter. Criteria: ACMG Guidelines, 2015. Collection method: clinical testing. Allele origin: germline.
Comment: The ARHGAP29 c.2481-1G>A variant is predicted to disrupt the AG splice acceptor site and interfere with normal splicing. To our knowledge, this variant has not been reported in the literature or in a large population database, indicating this variant is rare. Variants that disrupt the consensus splice acceptor site in ARHGAP29 are expected to be pathogenic (Savastano et al. 2017. PubMed ID: 27350171). Variants in this gene disrupting other consensus splicing sites have also been reported as causative for nonsyndromic cleft lip and/or palate (Savastano et al. 2017. PubMed ID: 27350171; Yu et al. 2022. PubMed ID: 32698641). In summary, ARHGAP29 c.2481-1G>A variant is interpreted as likely pathogenic.

Blueprint Genetics
Classification: Uncertain significance. Last evaluated: 2020-03-19. Review status: criteria provided, single submitter. Criteria: ACMG Guidelines, 2015. Collection method: clinical testing. Allele origin: germline.